The following is an entry in ClinVar:

ClinVar aggregate classification (germline): Uncertain significance (1 of 4 stars; one submission).

Conditions:
Charcot-Marie-Tooth disease type 2E (CMT2E). Also called: CHARCOT-MARIE-TOOTH NEUROPATHY, TYPE 2E; CHARCOT-MARIE-TOOTH DISEASE, AXONAL, TYPE 2E. Identifiers: Orphanet 99939, MedGen C1843225, MONDO:0011894, OMIM 607684.

gnomAD v4.1: 2 of 1,613,892 alleles (0.00012%); highest among the groups gnomAD compares: Non-Finnish European, 0.00017%; no homozygotes.

Submission:

Labcorp Genetics (formerly Invitae), Labcorp
Classification: Uncertain significance for Charcot-Marie-Tooth disease type 2E. Last evaluated: 2022-03-19. Review status: criteria provided, single submitter. Criteria: Invitae Variant Classification Sherloc (09022015). Collection method: clinical testing. Allele origin: germline.
Comment: ClinVar contains an entry for this variant (Variation ID: 953971). In summary, the available evidence is currently insufficient to determine the role of this variant in disease. Therefore, it has been classified as a Variant of Uncertain Significance. This sequence change replaces leucine, which is neutral and non-polar, with serine, which is neutral and polar, at codon 382 of the NEFL protein (p.Leu382Ser). This variant is present in population databases (no rsID available, gnomAD 0.0009%). This variant has not been reported in the literature in individuals affected with NEFL-related conditions.

NM_006158.5(NEFL):c.1145T>C (p.Leu382Ser)

Genes: NEFL (neurofilament light chain; minus strand), LOC126860330 (BRD4-independent group 4 enhancer GRCh37_chr8:24811677-24812876; plus strand). Cytogenetic location: 8p21.2.
Variant type: single nucleotide variant.
Coding change: c.1145T>C on transcript NM_006158.5 (MANE Select); coding-DNA position 1145, T replaced by C.
Protein change: p.Leu382Ser; replaces leucine 382 with serine.
Molecular consequence: missense variant.
Genome position (GRCh38, 1-based): chr8:24,954,205, A>G on the plus strand (T>C on the coding strand, the complement: NEFL is on the minus strand). VCF-style: chr8-24954205-A-G. GRCh37 (hg19) VCF-style: chr8-24811719-A-G.
Other names: short protein forms L382S.
Identifiers: ClinVar variation 953971 (VCV000953971.7), dbSNP rs775218507, ClinGen allele CA370620813.
Genomic context (GRCh38, chr8:24,954,205, plus strand): 5'-GTTTAATGGCTGCTGTCTTTGCCCCTCTATTTTCACCTGTAAGCTGCAATCTCAATATCC[A>G]AAGCCATCTTCACGTTGAGGAGGTCTTGGTATTCTTTTAGGTATCGTGCCATTTCACTCT-3'
Protein context (NP_006149.2, residues 372-392): YQDLLNVKMA[Leu382Ser]DIEIAAYRKL